The following is an entry in ClinVar:

NM_004817.4(TJP2):c.539C>G (p.Pro180Arg)

Gene: TJP2 (tight junction protein 2; plus strand). Cytogenetic location: 9q21.11.
Variant type: single nucleotide variant.
Coding change: c.539C>G on transcript NM_004817.4 (MANE Select); coding-DNA position 539, C replaced by G.
Protein change: p.Pro180Arg; replaces proline 180 with arginine.
Molecular consequence: missense variant.
Genome position (GRCh38, 1-based): chr9:69,221,083, C>G. VCF-style: chr9-69221083-C-G. GRCh37 (hg19) VCF-style: chr9-71835999-C-G.
Other names: c.470C>G, p.Pro157Arg (NM_001170414.2, NM_001369870.1, NM_001369871.1); c.551C>G, p.Pro184Arg (NM_001170415.1, NM_001369874.1, NM_001369875.1); c.632C>G, p.Pro211Arg (NM_001170416.2); c.539C>G, p.Pro180Arg (NM_001369872.1, NM_001369873.1, NM_201629.3); short protein forms P157R, P180R, P184R, P211R.
Identifiers: ClinVar variation 4072552 (VCV004072552.2).

ClinVar aggregate classification (germline): Uncertain significance. Review status: criteria provided, multiple submitters, no conflicts (2 of 4 stars). 2 submissions from 2 submitters: Uncertain significance (2). Last evaluated 2025-08-28.

Conditions:
Inborn genetic diseases. Identifiers: MedGen C0950123, MeSH D030342.

Submissions (2):

Ambry Genetics
Classification: Uncertain significance for Inborn genetic diseases. Last evaluated: 2025-08-28. Review status: criteria provided, single submitter. Criteria: Ambry Variant Classification Scheme 2023. Collection method: clinical testing. Allele origin: germline.

GeneDx
Classification: Uncertain significance. Last evaluated: 2025-01-31. Review status: criteria provided, single submitter. Criteria: GeneDx Variant Classification Process June 2021. Collection method: clinical testing. Allele origin: germline. Affected: yes.
Comment: Not observed at significant frequency in large population cohorts (gnomAD); In silico analysis indicates that this missense variant does not alter protein structure/function; Has not been previously published as pathogenic or benign to our knowledge